The following is an entry in ClinVar:

ClinVar aggregate classification (germline): Likely benign (1 of 4 stars; one submission).

gnomAD v4.1: 3 of 1,614,068 alleles (0.00019%); highest among the groups gnomAD compares: Non-Finnish European, 0.00025%; no homozygotes.

Submission:

CeGaT Center for Human Genetics Tuebingen
Classification: Likely benign. Last evaluated: 2026-06-01. Review status: criteria provided, single submitter. Criteria: CeGaT Center For Human Genetics Tuebingen Variant Classification Criteria Version 2. Collection method: clinical testing. Allele origin: germline. Affected: yes. Observed: 1 variant allele.
Comment: GSN: BP4, BP7

NM_198252.3(GSN):c.1083C>T (p.Ser361=)

Gene: GSN (gelsolin; plus strand). Cytogenetic location: 9q33.2.
Variant type: single nucleotide variant.
Coding change: c.1083C>T on transcript NM_198252.3 (MANE Select); coding-DNA position 1083, C replaced by T.
Protein change: p.Ser361=; no amino-acid change (serine 361 retained).
Molecular consequence: synonymous variant.
Genome position (GRCh38, 1-based): chr9:121,318,772, C>T. VCF-style: chr9-121318772-C-T. GRCh37 (hg19) VCF-style: chr9-124081050-C-T.
Other names: c.1236C>T, p.Ser412= (NM_000177.5); c.1083C>T, p.Ser361= (NM_001127662.2, NM_001127664.2, NM_001127665.2 and 10 more transcripts); c.1191C>T, p.Ser397= (NM_001127663.2); c.1116C>T, p.Ser372= (NM_001127666.2, NM_001127667.2, NM_001353063.2 and 13 more transcripts); c.1134C>T, p.Ser378= (NM_001258029.2); c.1107C>T, p.Ser369= (NM_001258030.2); c.1155C>T, p.Ser385= (NM_001353076.2); c.429C>T, p.Ser143= (NM_001353078.2).
Identifiers: ClinVar variation 4875152 (VCV004875152.2).